The following is an entry in ClinVar:

ClinVar aggregate classification (germline): Benign/Likely benign. Review status: criteria provided, multiple submitters, no conflicts (2 of 4 stars). 2 submissions from 2 submitters: Benign (1); Likely benign (1). Last evaluated 2024-09-24.

Conditions:
Hereditary cancer-predisposing syndrome. Also called: Neoplastic Syndromes, Hereditary; Tumor predisposition; Hereditary neoplastic syndrome; Hereditary Cancer Syndrome. Identifiers: Orphanet 140162, MedGen C0027672, MeSH D009386, MONDO:0015356.
Hereditary diffuse gastric adenocarcinoma (HDGC). Also called: DIFFUSE GASTRIC AND LOBULAR BREAST CANCER SYNDROME. Identifiers: Orphanet 26106, MedGen C1708349, MONDO:0007648, OMIM 137215.

gnomAD v4.1: 1 of 1,613,438 alleles (0.000062%); highest among the groups gnomAD compares: African/African-American, 0.0013%; no homozygotes.

Submissions (2):

Myriad Genetics, Inc.
Classification: Benign for Hereditary diffuse gastric adenocarcinoma. Last evaluated: 2024-09-24. Review status: criteria provided, single submitter. Criteria: Myriad Autosomal Dominant, Autosomal Recessive and X-Linked Classification Criteria (2023). Collection method: clinical testing. Allele origin: unknown.
Comment: This variant is considered benign. This variant is a silent/synonymous amino acid change and it is not expected to impact splicing.

Ambry Genetics
Classification: Likely benign for Hereditary cancer-predisposing syndrome. Last evaluated: 2022-06-13. Review status: criteria provided, single submitter. Criteria: Ambry Variant Classification Scheme 2023. Collection method: clinical testing. Allele origin: germline.

NM_004360.5(CDH1):c.2637C>A (p.Gly879=)

Gene: CDH1 (cadherin 1; plus strand). Cytogenetic location: 16q22.1.
Variant type: single nucleotide variant.
Coding change: c.2637C>A on transcript NM_004360.5 (MANE Select); coding-DNA position 2637, C replaced by A.
Protein change: p.Gly879=; no amino-acid change (glycine 879 retained).
Molecular consequence: synonymous variant.
Genome position (GRCh38, 1-based): chr16:68,833,487, C>A. VCF-style: chr16-68833487-C-A. GRCh37 (hg19) VCF-style: chr16-68867390-C-A.
Other names: c.2454C>A, p.Gly818= (NM_001317184.2); c.1089C>A, p.Gly363= (NM_001317185.2); c.672C>A, p.Gly224= (NM_001317186.2).
Identifiers: ClinVar variation 1794125 (VCV001794125.3), dbSNP rs141001592, ClinGen allele CA496393236.